The following is an entry in ClinVar:

NM_020631.6(PLEKHG5):c.1520C>T (p.Ala507Val)

Gene: PLEKHG5 (pleckstrin homology and RhoGEF domain containing G5; minus strand). Cytogenetic location: 1p36.31.
Variant type: single nucleotide variant.
Coding change: c.1520C>T on transcript NM_020631.6 (MANE Select); coding-DNA position 1520, C replaced by T.
Protein change: p.Ala507Val; replaces alanine 507 with valine.
Molecular consequence: missense variant.
Genome position (GRCh38, 1-based): chr1:6,470,757, G>A on the plus strand (C>T on the coding strand, the complement: PLEKHG5 is on the minus strand). VCF-style: chr1-6470757-G-A. GRCh37 (hg19) VCF-style: chr1-6530817-G-A.
Other names: c.1631C>T, p.Ala544Val (NM_001042663.3, NM_001265592.2); c.1520C>T, p.Ala507Val (NM_001042664.2, NM_001042665.2, NM_001265594.3 and 1 more transcripts); c.1727C>T, p.Ala576Val (NM_001265593.2); c.1520C>T (NM_020631.4); short protein forms A507V, A544V, A576V.
Identifiers: ClinVar variation 1016435 (VCV001016435.7), dbSNP rs1464559999, ClinGen allele CA338126364.

ClinVar aggregate classification (germline): Uncertain significance. Review status: criteria provided, multiple submitters, no conflicts (2 of 4 stars). 2 submissions from 2 submitters: Uncertain significance (2). Last evaluated 2026-04-07.

Conditions:
Neuronopathy, distal hereditary motor, autosomal recessive 4. Also called: Autosomal recessive lower motor neuron disease with childhood onset; NEUROPATHY, DISTAL HEREDITARY MOTOR, AUTOSOMAL RECESSIVE 4. Identifiers: Orphanet 206580, MedGen C1970211, MONDO:0012608, OMIM 611067.
Charcot-Marie-Tooth disease recessive intermediate C. Also called: CHARCOT-MARIE-TOOTH NEUROPATHY, RECESSIVE INTERMEDIATE C. Identifiers: Orphanet 369867, MedGen C3809309, MONDO:0014154, OMIM 615376.

Allele frequency attached by ClinVar (database versions not stated): TOPMed 0.00001.

Submissions (2):

GeneDx
Classification: Uncertain significance. Last evaluated: 2026-04-07. Review status: criteria provided, single submitter. Criteria: GeneDx Variant Classification Process June 2021. Collection method: clinical testing. Allele origin: germline.
Comment: Not observed at significant frequency in large population cohorts (gnomAD); In silico analysis suggests that this missense variant does not alter protein structure/function; Has not been previously published as pathogenic or benign to our knowledge

Labcorp Genetics (formerly Invitae), Labcorp
Classification: Uncertain significance for Neuronopathy, distal hereditary motor, autosomal recessive 4; Charcot-Marie-Tooth disease recessive intermediate C. Last evaluated: 2021-08-27. Review status: criteria provided, single submitter. Criteria: Invitae Variant Classification Sherloc (09022015). Collection method: clinical testing. Allele origin: germline.
Comment: This sequence change replaces alanine with valine at codon 507 of the PLEKHG5 protein (p.Ala507Val). The alanine residue is weakly conserved and there is a small physicochemical difference between alanine and valine. This variant is not present in population databases (ExAC no frequency). This variant has not been reported in the literature in individuals affected with PLEKHG5-related conditions. Algorithms developed to predict the effect of missense changes on protein structure and function (SIFT, PolyPhen-2, Align-GVGD) all suggest that this variant is likely to be tolerated. In summary, the available evidence is currently insufficient to determine the role of this variant in disease. Therefore, it has been classified as a Variant of Uncertain Significance.